The following is an entry in ClinVar:

ClinVar aggregate classification (germline): Uncertain significance (1 of 4 stars; one submission).

Submission:

GeneDx
Classification: Uncertain significance. Last evaluated: 2024-05-08. Review status: criteria provided, single submitter. Criteria: GeneDx Variant Classification Process June 2021. Collection method: clinical testing. Allele origin: germline. Affected: yes.
Comment: Not observed at significant frequency in large population cohorts (gnomAD); In silico analysis supports that this missense variant has a deleterious effect on protein structure/function; Has not been previously published as pathogenic or benign to our knowledge; This variant is associated with the following publications: (PMID: 21520338, 31554319, 9590290)

NM_005422.4(TECTA):c.4864T>C (p.Cys1622Arg)

Genes: TBCEL-TECTA (TBCEL-TECTA readthrough; plus strand), TECTA (tectorin alpha; plus strand). Cytogenetic location: 11q23.3.
Variant type: single nucleotide variant.
Coding change: c.4864T>C on transcript NM_005422.4 (MANE Select); coding-DNA position 4864, T replaced by C.
Protein change: p.Cys1622Arg; replaces cysteine 1622 with arginine.
Molecular consequence: missense variant.
Genome position (GRCh38, 1-based): chr11:121,160,309, T>C. VCF-style: chr11-121160309-T-C. GRCh37 (hg19) VCF-style: chr11-121031018-T-C.
Other names: c.5821T>C, p.Cys1941Arg (NM_001378761.1); short protein forms C1622R, C1941R.
Identifiers: ClinVar variation 3375518 (VCV003375518.1).